The following is an entry in ClinVar:

NM_014249.4(NR2E3):c.612_642del (p.Pro205fs)

Gene: NR2E3 (nuclear receptor subfamily 2 group E member 3; plus strand). Cytogenetic location: 15q23.
Variant type: Deletion.
Coding change: c.612_642del on transcript NM_014249.4 (MANE Select); coding-DNA positions 612 to 642, 31 bases deleted.
Protein change: p.Pro205fs; shifts the reading frame from proline 205.
Molecular consequence: frameshift variant.
Genome position (GRCh38, 1-based): chr15:71,812,376-71,812,406, 31 bases deleted. GRCh37 (hg19): chr15:72,104,716-72,104,746.
Other names: c.612_642del, p.Pro205fs (NM_016346.4); c.612_642delCCCCTCCTCTCCATACTCCTCTTCCTCCCCC (NM_014249.3); short protein forms P205fs.
Identifiers: ClinVar variation 1928679 (VCV001928679.8), dbSNP rs2543254872, ClinGen allele CA2580089930.

ClinVar aggregate classification (germline): Pathogenic/Likely pathogenic. Review status: criteria provided, multiple submitters, no conflicts (2 of 4 stars). 3 submissions from 3 submitters: Pathogenic (1); Likely pathogenic (2). Last evaluated 2025-12-01.

Conditions:
Enhanced S-cone syndrome (ESCS). Identifiers: Orphanet 53540, MedGen C1849394, MONDO:0100288, MONDO:0009989.

Submissions (3):

Natera, Inc.
Classification: Likely pathogenic for Enhanced S cone syndrome. Last evaluated: 2025-12-01. Review status: criteria provided, single submitter. Criteria: Natera Variant Classification Schema (03/2026). Collection method: clinical testing. Allele origin: germline.
Comment: The c.612_642delCCCCTCCTCTCCATACTCCTCTTCCTCCCCC variant in NR2E3 is a frameshift variant predicted to shift the reading frame beginning at codon 205 and leads to a stop codon 36 codons downstream. This variant is expected to result in nonsense mediated decay, truncation, or a dysfunctional protein product. This variant is rare in the general population with a frequency below the threshold expected for the associated phenotype(s). Given the available evidence, this variant is classified as Likely Pathogenic.

Baylor Genetics
Classification: Likely pathogenic for ENHANCED S-CONE SYNDROME 1. Last evaluated: 2023-11-11. Review status: criteria provided, single submitter. Criteria: ACMG Guidelines, 2015. Collection method: clinical testing. Allele origin: unknown.

Labcorp Genetics (formerly Invitae), Labcorp
Classification: Pathogenic. Last evaluated: 2022-10-27. Review status: criteria provided, single submitter. Criteria: Invitae Variant Classification Sherloc (09022015). Collection method: clinical testing. Allele origin: germline.
Comment: For these reasons, this variant has been classified as Pathogenic. Algorithms developed to predict the effect of sequence changes on RNA splicing suggest that this variant may disrupt the consensus splice site. This variant has not been reported in the literature in individuals affected with NR2E3-related conditions. This variant is not present in population databases (gnomAD no frequency). This sequence change creates a premature translational stop signal (p.Pro205Alafs*36) in the NR2E3 gene. It is expected to result in an absent or disrupted protein product. Loss-of-function variants in NR2E3 are known to be pathogenic (PMID: 15459973, 27522502).

Literature cited by the submitters: PubMed 15459973 (cited by Labcorp Genetics (formerly Invitae), Labcorp); PubMed 27522502 (cited by Labcorp Genetics (formerly Invitae), Labcorp).